The following is an entry in ClinVar:

ClinVar aggregate classification (germline): Uncertain significance (1 of 4 stars; one submission).

Conditions:
Osteogenesis imperfecta type 7 (OI7). Also called: OI type 7; OI type VII; OSTEOGENESIS IMPERFECTA, TYPE IIB; Osteogenesis imperfecta type 2B; OI type 2B; Osteogenesis imperfecta, perinatal lethal autosomal recessive. Identifiers: MedGen C1853162, MONDO:0012536, OMIM 610682.

Allele frequency attached by ClinVar (database versions not stated): gnomAD exomes below 0.00001; TOPMed below 0.00001.
gnomAD v4.1: 1 of 1,532,266 alleles (0.000065%); highest among the groups gnomAD compares: Non-Finnish European, 0.000087%; no homozygotes.

Submission:

Labcorp Genetics (formerly Invitae), Labcorp
Classification: Uncertain significance for Osteogenesis imperfecta type 7. Last evaluated: 2022-06-08. Review status: criteria provided, single submitter. Criteria: Invitae Variant Classification Sherloc (09022015). Collection method: clinical testing. Allele origin: germline.
Comment: This sequence change replaces asparagine, which is neutral and polar, with serine, which is neutral and polar, at codon 87 of the CRTAP protein (p.Asn87Ser). This variant is not present in population databases (gnomAD no frequency). This variant has not been reported in the literature in individuals affected with CRTAP-related conditions. Algorithms developed to predict the effect of missense changes on protein structure and function (SIFT, PolyPhen-2, Align-GVGD) all suggest that this variant is likely to be tolerated. In summary, the available evidence is currently insufficient to determine the role of this variant in disease. Therefore, it has been classified as a Variant of Uncertain Significance.

NM_006371.5(CRTAP):c.260A>G (p.Asn87Ser)

Gene: CRTAP (cartilage associated protein; plus strand). Cytogenetic location: 3p22.3.
Variant type: single nucleotide variant.
Coding change: c.260A>G on transcript NM_006371.5 (MANE Select); coding-DNA position 260, A replaced by G.
Protein change: p.Asn87Ser; replaces asparagine 87 with serine.
Molecular consequence: missense variant.
Genome position (GRCh38, 1-based): chr3:33,114,337, A>G. VCF-style: chr3-33114337-A-G. GRCh37 (hg19) VCF-style: chr3-33155829-A-G.
Other names: c.260A>G, p.Asn87Ser (NM_001393363.1, NM_001393364.1, NM_001393365.1); short protein forms N87S.
Identifiers: ClinVar variation 2050721 (VCV002050721.1), dbSNP rs1322693360, ClinGen allele CA352008487.